The following is an entry in ClinVar:

NM_000243.3(MEFV):c.1770G>A (p.Leu590=)

Genes: MEFV (MEFV innate immunity regulator, pyrin; minus strand), LOC126862264 (CDK7 strongly-dependent group 2 enhancer GRCh37_chr16:3293322-3294521; plus strand). Cytogenetic location: 16p13.3.
Variant type: single nucleotide variant.
Coding change: c.1770G>A on transcript NM_000243.3 (MANE Select); coding-DNA position 1770, G replaced by A.
Protein change: p.Leu590=; no amino-acid change (leucine 590 retained).
Molecular consequence: synonymous variant. On other transcripts: missense variant (1).
Genome position (GRCh38, 1-based): chr16:3,243,882, C>T on the plus strand (G>A on the coding strand, the complement: MEFV is on the minus strand). VCF-style: chr16-3243882-C-T. GRCh37 (hg19) VCF-style: chr16-3293882-C-T.
Other names: c.1312G>A, p.Asp438Asn (NM_001198536.2); c.1312G>A (NM_001198536.1); short protein forms D438N.
Identifiers: ClinVar variation 669769 (VCV000669769.12), dbSNP rs139692347, ClinGen allele CA7859932.
Genomic context (GRCh38, chr16:3,243,882, plus strand): 5'-AGCAGGCCAGGGCCACTTGCCTTGATCTGGGCACTTACCAGCATGTGCCTGAGCGCCAAT[C>T]AGCTCCGGAACTACGGAGAAAAATCAGATAGGGAAAAAAATCCTGAGCATTAGCATTAAG-3'
Protein context (NP_000234.1, residues 580-600): SEMEMFNVPE[Leu590=]IGAQAHAVNV

ClinVar aggregate classification (germline): Conflicting classifications of pathogenicity. Review status: criteria provided, conflicting classifications (1 of 4 stars). 7 submissions from 5 submitters: Uncertain significance (2); Likely benign (5). Last evaluated 2026-02-24.

Conditions:
Familial Mediterranean fever, autosomal dominant. Also called: FMF, AUTOSOMAL DOMINANT; Dominant Familial Mediterranean Fever. Identifiers: Orphanet 342, MedGen C1851347, MONDO:0007601, OMIM 134610.
Inborn genetic diseases. Identifiers: MedGen C0950123, MeSH D030342.
Familial Mediterranean fever (FMF). Also called: Periodic peritonitis; Benign paroxysmal peritonitis; POLYSEROSITIS, FAMILIAL PAROXYSMAL; POLYSEROSITIS, RECURRENT. Identifiers: Orphanet 342, MedGen C0031069, MONDO:0018088, OMIM 249100. Disease mechanism: gain of function.
MEFV-related disorder. Also called: MEFV-related disorders; MEFV-related condition.
Acute febrile neutrophilic dermatosis (AFND). Also called: Sweet Syndrome; Gomm Button disease. Identifiers: Orphanet 3243, MedGen C0085077, MONDO:0011959, OMIM 608068.

Allele frequency attached by ClinVar (database versions not stated): 1000 Genomes Project 30x 0.00078; 1000 Genomes Project 0.00080; gnomAD exomes 0.00002; ExAC 0.00005; ESP Exome Variant Server 0.00008; gnomAD 0.00014 and 0.00017; TOPMed 0.00040.
gnomAD v4.1: 42 of 1,613,976 alleles (0.0026%); highest among the groups gnomAD compares: Admixed American, 0.047%; no homozygotes.

Submissions (7):

PreventionGenetics, part of Exact Sciences
Classification: Uncertain significance for MEFV-related condition. Last evaluated: 2026-02-24. Review status: criteria provided, single submitter. Criteria: ACMG Guidelines, 2015. Collection method: clinical testing. Allele origin: germline.
Comment: The MEFV c.1312G>A variant is predicted to result in the amino acid substitution p.Asp438Asn. To our knowledge, this variant has not been reported in the literature. This variant is reported in 0.0058% of alleles in individuals of Latino descent in gnomAD. At this time, the clinical significance of this variant is uncertain due to the absence of conclusive functional and genetic evidence.

Labcorp Genetics (formerly Invitae), Labcorp
Classification: Likely benign for Familial Mediterranean fever. Last evaluated: 2026-02-02. Review status: criteria provided, single submitter. Criteria: Invitae Variant Classification Sherloc (09022015). Collection method: clinical testing. Allele origin: germline.

Ambry Genetics
Classification: Likely benign for Inborn genetic diseases. Last evaluated: 2025-08-04. Review status: criteria provided, single submitter. Criteria: Ambry Variant Classification Scheme 2023. Collection method: clinical testing. Allele origin: germline.

Genome-Nilou Lab
Classification: Uncertain significance for Familial Mediterranean fever. Last evaluated: 2023-02-08. Review status: criteria provided, single submitter. Criteria: ACMG Guidelines, 2015. Collection method: clinical testing. Allele origin: germline.

Genome-Nilou Lab
Classification: Likely benign for Familial Mediterranean fever, autosomal dominant. Last evaluated: 2023-02-08. Review status: criteria provided, single submitter. Criteria: ACMG Guidelines, 2015. Collection method: clinical testing. Allele origin: germline.

Genome-Nilou Lab
Classification: Likely benign for Acute febrile neutrophilic dermatosis. Last evaluated: 2023-02-08. Review status: criteria provided, single submitter. Criteria: ACMG Guidelines, 2015. Collection method: clinical testing. Allele origin: germline.

GeneDx
Classification: Likely benign. Last evaluated: 2018-06-06. Review status: criteria provided, single submitter. Criteria: GeneDx Variant Classification (06012015). Collection method: clinical testing. Allele origin: germline. Affected: yes.
Comment: This variant is considered likely benign or benign based on one or more of the following criteria: it is a conservative change, it occurs at a poorly conserved position in the protein, it is predicted to be benign by multiple in silico algorithms, and/or has population frequency not consistent with disease.